The following is an entry in ClinVar:

ClinVar aggregate classification (germline): Likely benign. Review status: criteria provided, multiple submitters, no conflicts (2 of 4 stars). 3 submissions from 3 submitters: Likely benign (3). Last evaluated 2025-10-28.

Conditions:
Lowe syndrome (OCRL). Also called: Oculocerebrorenal Syndrome; PHOSPHATIDYLINOSITOL 4,5-BISPHOSPHATE 5-PHOSPHATASE DEFICIENCY; LOWE OCULOCEREBRORENAL SYNDROME. Identifiers: Orphanet 534, MedGen C0028860, MONDO:0010645, OMIM 309000.
OCRL-related disorder. Also called: OCRL-related condition.
Nephrolithiasis/nephrocalcinosis. Identifiers: MedGen CN580796.

Allele frequency attached by ClinVar (database versions not stated): ExAC 0.00009; gnomAD exomes 0.00009 and 0.00020; gnomAD 0.00012 and 0.00013; TOPMed 0.00013; ESP Exome Variant Server 0.00038.
gnomAD v4.1: 224 of 1,209,451 alleles (0.019%); highest among the groups gnomAD compares: Non-Finnish European, 0.023%; no homozygotes.

Submissions (4):

PreventionGenetics, part of Exact Sciences
Classification: Likely benign for OCRL-related condition. Last evaluated: 2025-10-28. Review status: criteria provided, single submitter. Criteria: ACMG Guidelines, 2015. Collection method: clinical testing. Allele origin: germline.
Comment: This variant is classified as likely benign based on ACMG/AMP sequence variant interpretation guidelines (Richards et al. 2015 PMID: 25741868, with internal and published modifications).

Labcorp Genetics (formerly Invitae), Labcorp
Classification: Likely benign for Lowe syndrome. Last evaluated: 2025-10-18. Review status: criteria provided, single submitter. Criteria: Invitae Variant Classification Sherloc (09022015). Collection method: clinical testing. Allele origin: germline.

Ambry Genetics
Classification: Likely benign for Nephrolithiasis/nephrocalcinosis. Last evaluated: 2022-02-03. Review status: criteria provided, single submitter. Criteria: Ambry Variant Classification Scheme 2023. Collection method: clinical testing. Allele origin: germline.

Dr. Peter K. Rogan Lab, Western University
No classification provided (evidence only). Condition: Thyroid cancer, nonmedullary, 1. Review status: no classification provided. Collection method: in vitro. Allele origin: not applicable. Functional consequence: retained intron. Not counted in ClinVar's aggregate classification.

NM_000276.4(OCRL):c.1184C>T (p.Ala395Val)

Gene: OCRL (OCRL inositol polyphosphate-5-phosphatase; plus strand). Cytogenetic location: Xq26.1.
Variant type: single nucleotide variant.
Coding change: c.1184C>T on transcript NM_000276.4 (MANE Select); coding-DNA position 1184, C replaced by T.
Protein change: p.Ala395Val; replaces alanine 395 with valine.
Molecular consequence: missense variant.
Genome position (GRCh38, 1-based): chrX:129,562,726, C>T. VCF-style: chrX-129562726-C-T. GRCh37 (hg19) VCF-style: chrX-128696703-C-T.
Other names: c.1187C>T, p.Ala396Val (NM_001318784.2); c.1184C>T, p.Ala395Val (NM_001587.4); c.1184C>T (NM_000276.3); short protein forms A395V, A396V.
Identifiers: ClinVar variation 1149743 (VCV001149743.12), dbSNP rs145139567, ClinGen allele CA10512137.